The following is an entry in ClinVar:

NM_000051.4(ATM):c.2769T>G (p.Ile923Met)

Gene: ATM (ATM serine/threonine kinase; plus strand). Cytogenetic location: 11q22.3.
Variant type: single nucleotide variant.
Coding change: c.2769T>G on transcript NM_000051.4 (MANE Select); coding-DNA position 2769, T replaced by G.
Protein change: p.Ile923Met; replaces isoleucine 923 with methionine.
Molecular consequence: missense variant.
Genome position (GRCh38, 1-based): chr11:108,268,540, T>G. VCF-style: chr11-108268540-T-G. GRCh37 (hg19) VCF-style: chr11-108139267-T-G.
Other names: c.2769T>G, p.Ile923Met (NM_001351834.2); short protein forms I923M.
Identifiers: ClinVar variation 845319 (VCV000845319.13), dbSNP rs2081390749, ClinGen allele CA382545511.
Genomic context (GRCh38, chr11:108,268,540, plus strand): 5'-CTTGTGTTTGTGTGTAACTACTGCTCAGACCAATACTGTGTCCTTTAGGGCAGCTGATAT[T>G]CGGAGGAAATTGTTAATGTTAATTGATTCTAGCACGCTAGAACCTACCAAATCCCTCCAC-3'
Protein context (NP_000042.3, residues 913-933): TNTVSFRAAD[Ile923Met]RRKLLMLIDS

ClinVar aggregate classification (germline): Uncertain significance. Review status: criteria provided, single submitter (1 of 4 stars). 2 submissions from 2 submitters: Uncertain significance (1). 1 of the submissions does not count toward it. Last evaluated 2025-07-16.

Conditions:
Ataxia-telangiectasia syndrome (AT). Also called: Ataxia-telangiectasia, complementation group D; AT, COMPLEMENTATION GROUP C; Ataxia telangiectasia (A-T); Cerebello-oculocutaneous telangiectasia; Immunodeficiency with ataxia telangiectasia; Ataxia-telangiectasia. Identifiers: Orphanet 100, MedGen C0004135, MONDO:0008840, OMIM 208900.

Submissions (2):

Labcorp Genetics (formerly Invitae), Labcorp
Classification: Uncertain significance for Ataxia-telangiectasia syndrome. Last evaluated: 2025-07-16. Review status: criteria provided, single submitter. Criteria: Invitae Variant Classification Sherloc (09022015). Collection method: clinical testing. Allele origin: germline.
Comment: This sequence change replaces isoleucine, which is neutral and non-polar, with methionine, which is neutral and non-polar, at codon 923 of the ATM protein (p.Ile923Met). This variant is not present in population databases (gnomAD no frequency). This variant has not been reported in the literature in individuals affected with ATM-related conditions. ClinVar contains an entry for this variant (Variation ID: 845319). Invitae Evidence Modeling of protein sequence and biophysical properties (such as structural, functional, and spatial information, amino acid conservation, physicochemical variation, residue mobility, and thermodynamic stability) indicates that this missense variant is not expected to disrupt ATM protein function with a negative predictive value of 95%. In summary, the available evidence is currently insufficient to determine the role of this variant in disease. Therefore, it has been classified as a Variant of Uncertain Significance.

Natera, Inc.
Classification: Uncertain significance for Ataxia-telangiectasia. Last evaluated: 2021-05-14. Review status: no assertion criteria provided. Collection method: clinical testing. Allele origin: germline. Not counted in ClinVar's aggregate classification.